The following is an entry in ClinVar:

ClinVar aggregate classification (germline): Conflicting classifications of pathogenicity. Review status: criteria provided, conflicting classifications (1 of 4 stars). 11 submissions from 11 submitters: Uncertain significance (1); Benign (1); Likely benign (6). 3 of the submissions do not count toward it. Last evaluated 2026-04-06.

Conditions:
Cardiovascular phenotype. Identifiers: MedGen CN230736.
ABCG5-related disorder. Also called: ABCG5-related condition.
Sitosterolemia 1. Identifiers: MedGen C2749759, MONDO:0020747, OMIM 210250.
Sitosterolemia (STSL). Also called: PHYTOSTEROLEMIA. Identifiers: Orphanet 2882, MedGen C0342907, MONDO:0008863.

Allele frequency attached by ClinVar (database versions not stated): gnomAD 0.00060 and 0.00063; 1000 Genomes Project 30x 0.00078; gnomAD exomes 0.00078 and 0.00041; 1000 Genomes Project 0.00060; TOPMed 0.00097; ESP Exome Variant Server 0.00038; ExAC 0.00064.
gnomAD v4.1: 731 of 1,614,216 alleles (0.045%); highest among the groups gnomAD compares: Admixed American, 0.22%; 2 homozygotes.

Submissions (11):

Women's Health and Genetics/Laboratory Corporation of America, LabCorp
Classification: Likely benign. Last evaluated: 2026-04-06. Review status: criteria provided, single submitter. Criteria: LabCorp Variant Classification Summary - May 2015. Collection method: clinical testing. Allele origin: germline.
Comment: Variant summary: ABCG5 c.1251G>A alters a conserved nucleotide resulting in a synonymous change. Consensus agreement among computation tools predict no significant impact on normal splicing. However, these predictions have yet to be confirmed by functional studies. The variant allele was found at a frequency of 0.00078 in 251486 control chromosomes in the gnomAD database, including 1 homozygotes. This frequency is not significantly higher than estimated for disease-causing variants in ABCG5, allowing no conclusion about variant significance. To our knowledge, no occurrence of c.1251G>A in individuals affected with ABCG5-related conditions and no experimental evidence demonstrating its impact on protein function have been reported. ClinVar contains an entry for this variant (Variation ID: 497594). Based on the evidence outlined above, the variant was classified as likely benign.

Labcorp Genetics (formerly Invitae), Labcorp
Classification: Likely benign for Sitosterolemia. Last evaluated: 2026-01-27. Review status: criteria provided, single submitter. Criteria: Invitae Variant Classification Sherloc (09022015). Collection method: clinical testing. Allele origin: germline.

Mayo Clinic Laboratories, Mayo Clinic
Classification: Likely benign. Last evaluated: 2024-12-17. Review status: criteria provided, single submitter. Criteria: ACMG Guidelines, 2015. Collection method: clinical testing. Allele origin: germline. Observed: 1 variant allele.
Comment: BS1, BS2_supporting, BP4, BP7

Blueprint Genetics
Classification: Likely benign. Last evaluated: 2024-09-23. Review status: criteria provided, single submitter. Criteria: ACMG Guidelines, 2015. Collection method: clinical testing. Allele origin: germline.

Ambry Genetics
Classification: Likely benign for Cardiovascular phenotype. Last evaluated: 2022-03-19. Review status: criteria provided, single submitter. Criteria: Ambry Variant Classification Scheme 2023. Collection method: clinical testing. Allele origin: germline.

GeneDx
Classification: Likely benign. Last evaluated: 2019-04-01. Review status: criteria provided, single submitter. Criteria: GeneDx Variant Classification Process June 2021. Collection method: clinical testing. Allele origin: germline. Affected: yes.

Illumina Laboratory Services, Illumina
Classification: Uncertain significance for Sitosterolemia 1. Last evaluated: 2018-01-13. Review status: criteria provided, single submitter. Criteria: ICSL Variant Classification Criteria 13 December 2019. Collection method: clinical testing. Allele origin: germline.

Eurofins Ntd Llc (ga)
Classification: Benign. Last evaluated: 2017-10-02. Review status: criteria provided, single submitter. Criteria: EGL Classification Definitions 2015. Collection method: clinical testing. Allele origin: germline. Observed: 2 variant alleles, 2 heterozygotes.

PreventionGenetics, part of Exact Sciences
Classification: Likely benign for ABCG5-related condition. Last evaluated: 2021-05-19. Review status: no assertion criteria provided. Collection method: clinical testing. Allele origin: germline. Not counted in ClinVar's aggregate classification.
Comment: This variant is classified as likely benign based on ACMG/AMP sequence variant interpretation guidelines (Richards et al. 2015 PMID: 25741868, with internal and published modifications).

Clinical Genetics DNA and cytogenetics Diagnostics Lab, Erasmus MC, Erasmus Medical Center
Classification: Likely benign. Review status: no assertion criteria provided. Collection method: clinical testing. Allele origin: germline. Affected: yes. Study: VKGL Data-share Consensus. Not counted in ClinVar's aggregate classification.

Clinical Genetics, Academic Medical Center
Classification: Benign. Review status: no assertion criteria provided. Collection method: clinical testing. Allele origin: germline. Affected: yes. Study: VKGL Data-share Consensus. Not counted in ClinVar's aggregate classification.

NM_022436.3(ABCG5):c.1251G>A (p.Gln417=)

Genes: ABCG5 (ATP binding cassette subfamily G member 5; minus strand), DYNC2LI1 (dynein cytoplasmic 2 light intermediate chain 1; plus strand). Cytogenetic location: 2p21.
Variant type: single nucleotide variant.
Coding change: c.1251G>A on transcript NM_022436.3 (MANE Select); coding-DNA position 1251, G replaced by A.
Protein change: p.Gln417=; no amino-acid change (glutamine 417 retained).
Molecular consequence: synonymous variant. On other transcripts: intron variant (2).
Genome position (GRCh38, 1-based): chr2:43,823,986, C>T on the plus strand (G>A on the coding strand, the complement: ABCG5 is on the minus strand). VCF-style: chr2-43823986-C-T. GRCh37 (hg19) VCF-style: chr2-44051125-C-T.
Other names: p.Gln417=; c.*16-3400C>T (NM_001348913.2, NM_001348912.2).
Identifiers: ClinVar variation 497594 (VCV000497594.29), dbSNP rs146801512, ClinGen allele CA1636353.